The following is an entry in ClinVar:

ClinVar aggregate classification (germline): Uncertain significance (1 of 4 stars; one submission).

Conditions:
TMEM165-congenital disorder of glycosylation. Also called: TMEM165-CDG; Congenital disorder of glycosylation type 2k; CDG IIk. Identifiers: Orphanet 314667, MedGen C3553571, MONDO:0013870, OMIM 614727.

Submission:

Labcorp Genetics (formerly Invitae), Labcorp
Classification: Uncertain significance for TMEM165-congenital disorder of glycosylation. Last evaluated: 2022-03-23. Review status: criteria provided, single submitter. Criteria: Invitae Variant Classification Sherloc (09022015). Collection method: clinical testing. Allele origin: germline.
Comment: In summary, the available evidence is currently insufficient to determine the role of this variant in disease. Therefore, it has been classified as a Variant of Uncertain Significance. Algorithms developed to predict the effect of missense changes on protein structure and function output the following: SIFT: "Tolerated"; PolyPhen-2: "Benign"; Align-GVGD: "Class C0". The leucine amino acid residue is found in multiple mammalian species, which suggests that this missense change does not adversely affect protein function. This variant has not been reported in the literature in individuals affected with TMEM165-related conditions. This variant is not present in population databases (gnomAD no frequency). This sequence change replaces phenylalanine, which is neutral and non-polar, with leucine, which is neutral and non-polar, at codon 204 of the TMEM165 protein (p.Phe204Leu).

NM_018475.5(TMEM165):c.612T>G (p.Phe204Leu)

Gene: TMEM165 (transmembrane protein 165; plus strand). Cytogenetic location: 4q12.
Variant type: single nucleotide variant.
Coding change: c.612T>G on transcript NM_018475.5 (MANE Select); coding-DNA position 612, T replaced by G.
Protein change: p.Phe204Leu; replaces phenylalanine 204 with leucine.
Molecular consequence: missense variant. On other transcripts: non-coding transcript variant (1).
Genome position (GRCh38, 1-based): chr4:55,417,805, T>G. VCF-style: chr4-55417805-T-G. GRCh37 (hg19) VCF-style: chr4-56283972-T-G.
Other names: short protein forms F204L.
Identifiers: ClinVar variation 1948524 (VCV001948524.5), dbSNP rs2545501355, ClinGen allele CA356902900.
Genomic context (GRCh38, chr4:55,417,805, plus strand): 5'-GTGTGCTATTTTGATTTGCTTCCTGTGCTTACTTTCATTTGTTTATTATTTATTTTAGTT[T>G]CAACGAACCAAACTTTTAAATGGACCGGGAGATGTTGAAACGGGTACAAGCATAACAGTA-3'
Protein context (NP_060945.2, residues 194-214): QAELKKKDEE[Phe204Leu]QRTKLLNGPG